The following is an entry in ClinVar:

ClinVar aggregate classification (germline): Conflicting classifications of pathogenicity. Review status: criteria provided, conflicting classifications (1 of 4 stars). 3 submissions from 3 submitters: Uncertain significance (2); Likely benign (1). Last evaluated 2025-11-05.

Conditions:
Inborn genetic diseases. Identifiers: MedGen C0950123, MeSH D030342.
Familial hemiplegic migraine. Identifiers: MedGen C0338484, MONDO:0000700.

Allele frequency attached by ClinVar (database versions not stated): ExAC 0.00002.
gnomAD v4.1: 33 of 1,614,250 alleles (0.002%); highest among the groups gnomAD compares: Middle Eastern, 0.033%; no homozygotes.

Submissions (3):

Labcorp Genetics (formerly Invitae), Labcorp
Classification: Uncertain significance for Familial hemiplegic migraine. Last evaluated: 2025-11-05. Review status: criteria provided, single submitter. Criteria: Invitae Variant Classification Sherloc (09022015). Collection method: clinical testing. Allele origin: germline.
Comment: This sequence change replaces threonine, which is neutral and polar, with methionine, which is neutral and non-polar, at codon 577 of the ATP1A2 protein (p.Thr577Met). This variant is present in population databases (rs747886840, gnomAD 0.01%). This variant has not been reported in the literature in individuals affected with ATP1A2-related conditions. ClinVar contains an entry for this variant (Variation ID: 1059051). Invitae Evidence Modeling of protein sequence and biophysical properties (such as structural, functional, and spatial information, amino acid conservation, physicochemical variation, residue mobility, and thermodynamic stability) indicates that this missense variant is not expected to disrupt ATP1A2 protein function with a negative predictive value of 80%. In summary, the available evidence is currently insufficient to determine the role of this variant in disease. Therefore, it has been classified as a Variant of Uncertain Significance.

Ambry Genetics
Classification: Likely benign for Inborn genetic diseases. Last evaluated: 2021-10-07. Review status: criteria provided, single submitter. Criteria: Ambry Variant Classification Scheme 2023. Collection method: clinical testing. Allele origin: germline.

Revvity Omics, Revvity
Classification: Uncertain significance. Last evaluated: 2021-01-28. Review status: criteria provided, single submitter. Criteria: ACMG Guidelines, 2015. Collection method: clinical testing. Allele origin: germline.

NM_000702.4(ATP1A2):c.1730C>T (p.Thr577Met)

Gene: ATP1A2 (ATPase Na+/K+ transporting subunit alpha 2; plus strand). Cytogenetic location: 1q23.2.
Variant type: single nucleotide variant.
Coding change: c.1730C>T on transcript NM_000702.4 (MANE Select); coding-DNA position 1730, C replaced by T.
Protein change: p.Thr577Met; replaces threonine 577 with methionine.
Molecular consequence: missense variant.
Genome position (GRCh38, 1-based): chr1:160,130,500, C>T. VCF-style: chr1-160130500-C-T. GRCh37 (hg19) VCF-style: chr1-160100290-C-T.
Other names: short protein forms T577M.
Identifiers: ClinVar variation 1059051 (VCV001059051.11), dbSNP rs747886840, ClinGen allele CA1194572.
Genomic context (GRCh38, chr1:160,130,500, plus strand): 5'-TGCCATCTGGAAAGTTTCCTCGGGGCTTCAAATTCGACACGGATGAGCTGAACTTTCCCA[C>T]GGAGAAGCTTTGCTTTGTGGGGCTCATGTCTATGATTGACCCTCCCCGGGCTGCTGTGCC-3'
Protein context (NP_000693.1, residues 567-587): KFDTDELNFP[Thr577Met]EKLCFVGLMS